The following is an entry in ClinVar:

NM_000478.6(ALPL):c.883A>G (p.Met295Val)

Gene: ALPL (alkaline phosphatase, biomineralization associated; plus strand). Cytogenetic location: 1p36.12.
Variant type: single nucleotide variant.
Coding change: c.883A>G on transcript NM_000478.6 (MANE Select); coding-DNA position 883, A replaced by G.
Protein change: p.Met295Val; replaces methionine 295 with valine.
Molecular consequence: missense variant.
Genome position (GRCh38, 1-based): chr1:21,573,685, A>G. VCF-style: chr1-21573685-A-G. GRCh37 (hg19) VCF-style: chr1-21900178-A-G.
Other names: c.718A>G, p.Met240Val (NM_001127501.4); c.652A>G, p.Met218Val (NM_001177520.3); c.883A>G, p.Met295Val (NM_001369803.2, NM_001369804.2, NM_001369805.2); short protein forms M218V, M295V, M240V.
Identifiers: ClinVar variation 2202719 (VCV002202719.5), dbSNP rs1644684403, ClinGen allele CA338880203.

ClinVar aggregate classification (germline): Likely pathogenic. Review status: criteria provided, multiple submitters, no conflicts (2 of 4 stars). 2 submissions from 2 submitters: Likely pathogenic (2). Last evaluated 2025-08-29.

Conditions:
Hypophosphatasia. Also called: Phosphoethanol-aminuria. Identifiers: Orphanet 436, MedGen C0020630, MeSH D007014, MONDO:0018570.

Allele frequency attached by ClinVar (database versions not stated): gnomAD exomes below 0.00001.
gnomAD v4.1: 1 of 1,613,934 alleles (0.000062%); highest among the groups gnomAD compares: Non-Finnish European, 0.000085%; no homozygotes.

Submissions (2):

Genomenon, Inc
Classification: Likely pathogenic for Hypophosphatasia. Last evaluated: 2025-08-29. Review status: criteria provided, single submitter. Criteria: Genomenon Sequence Variant Interpretation Standards. Collection method: curation. Allele origin: germline. Affected: yes.
Comment: ALPL c.883A>G is a missense variant that changes the amino acid at residue 295 from Methionine to Valine. This variant has been observed in at least one proband affected with hypophosphatasia (PMID:34164522;18219546). The variant was found to segregate with disease in at least one affected family (PMID:34164522). Functional studies have been reported;however, the significance of the findings remain unclear and/or were performed in patient cells (PMID:34164522). This variant has been described as Met278Val in the literature. It is absent or not present at a significant frequency in gnomAD. In silico models agree that this variant is possibly or probably damaging. In conclusion, we classify ALPL p.Met295Val (c.883A>G) as a likely pathogenic variant.

Labcorp Genetics (formerly Invitae), Labcorp
Classification: Likely pathogenic. Last evaluated: 2022-02-19. Review status: criteria provided, single submitter. Criteria: Invitae Variant Classification Sherloc (09022015). Collection method: clinical testing. Allele origin: germline.
Comment: This missense change has been observed in individual(s) with hypophosphatasia (PMID: 32160374). This variant is not present in population databases (gnomAD no frequency). This sequence change replaces methionine, which is neutral and non-polar, with valine, which is neutral and non-polar, at codon 295 of the ALPL protein (p.Met295Val). Advanced modeling of protein sequence and biophysical properties (such as structural, functional, and spatial information, amino acid conservation, physicochemical variation, residue mobility, and thermodynamic stability) performed at Invitae indicates that this missense variant is expected to disrupt ALPL protein function. In summary, the currently available evidence indicates that the variant is pathogenic, but additional data are needed to prove that conclusively. Therefore, this variant has been classified as Likely Pathogenic. This variant disrupts the p.Met295 amino acid residue in ALPL. Other variant(s) that disrupt this residue have been determined to be pathogenic (PMID: 15660230, 15694177). This suggests that this residue is clinically significant, and that variants that disrupt this residue are likely to be disease-causing.

Literature cited by the submitters: PubMed 34164522 (cited by Genomenon, Inc); PubMed 18219546 (cited by Genomenon, Inc); PubMed 32160374 (cited by Labcorp Genetics (formerly Invitae), Labcorp); PubMed 15660230 (cited by Labcorp Genetics (formerly Invitae), Labcorp); PubMed 15694177 (cited by Labcorp Genetics (formerly Invitae), Labcorp).